The following is an entry in ClinVar:

ClinVar aggregate classification (germline): Likely pathogenic (1 of 4 stars; one submission).

Submission:

GeneDx
Classification: Likely pathogenic. Last evaluated: 2021-10-26. Review status: criteria provided, single submitter. Criteria: GeneDx Variant Classification Process June 2021. Collection method: clinical testing. Allele origin: germline. Affected: yes.
Comment: Not observed at significant frequency in large population cohorts (gnomAD); In silico analysis supports that this missense variant has a deleterious effect on protein structure/function; This variant is associated with the following publications: (PMID: 29912909)

NM_206933.4(USH2A):c.3507G>C (p.Trp1169Cys)

Genes: USH2A (usherin; minus strand), USH2A-AS1 (USH2A antisense RNA 1; plus strand). Cytogenetic location: 1q41.
Variant type: single nucleotide variant.
Coding change: c.3507G>C on transcript NM_206933.4 (MANE Select); coding-DNA position 3507, G replaced by C.
Protein change: p.Trp1169Cys; replaces tryptophan 1169 with cysteine.
Molecular consequence: missense variant.
Genome position (GRCh38, 1-based): chr1:216,199,931, C>G on the plus strand (G>C on the coding strand, the complement: USH2A is on the minus strand). VCF-style: chr1-216199931-C-G. GRCh37 (hg19) VCF-style: chr1-216373273-C-G.
Other names: c.3507G>C, p.Trp1169Cys (NM_007123.6); short protein forms W1169C.
Identifiers: ClinVar variation 1710738 (VCV001710738.2), dbSNP rs1064793745, ClinGen allele CA344868360.